The following is an entry in ClinVar:

NM_144672.4(OTOA):c.1171T>A (p.Ser391Thr)

Gene: OTOA (otoancorin). Cytogenetic location: 16p12.2.
Variant type: single nucleotide variant.
Coding change: c.1171T>A on transcript NM_144672.4 (MANE Select); coding-DNA position 1171, T replaced by A.
Protein change: p.Ser391Thr; replaces serine 391 with threonine.
Molecular consequence: missense variant.
Genome position (GRCh38, 1-based): chr16:21,709,954, T>A. VCF-style: chr16-21709954-T-A. GRCh37 (hg19) VCF-style: chr16-21721275-T-A.
Other names: c.934T>A, p.Ser312Thr (NM_001161683.2); c.199T>A, p.Ser67Thr (NM_170664.3); short protein forms S312T, S391T, S67T.
Identifiers: ClinVar variation 3899555 (VCV003899555.1).

ClinVar aggregate classification (germline): Uncertain significance (1 of 4 stars; one submission).

Submission:

GeneDx
Classification: Uncertain significance. Last evaluated: 2024-11-01. Review status: criteria provided, single submitter. Criteria: GeneDx Variant Classification Process June 2021. Collection method: clinical testing. Allele origin: germline. Affected: yes.
Comment: Not observed at significant frequency in large population cohorts (gnomAD); In silico analysis indicates that this missense variant does not alter protein structure/function; Has not been previously published as pathogenic or benign to our knowledge